The following is an entry in ClinVar:

NM_002693.3(POLG):c.2393T>C (p.Ile798Thr)

Gene: POLG (DNA polymerase gamma, catalytic subunit; minus strand). Cytogenetic location: 15q26.1.
Variant type: single nucleotide variant.
Coding change: c.2393T>C on transcript NM_002693.3 (MANE Select); coding-DNA position 2393, T replaced by C.
Protein change: p.Ile798Thr; replaces isoleucine 798 with threonine.
Molecular consequence: missense variant.
Genome position (GRCh38, 1-based): chr15:89,322,775, A>G on the plus strand (T>C on the coding strand, the complement: POLG is on the minus strand). VCF-style: chr15-89322775-A-G. GRCh37 (hg19) VCF-style: chr15-89866006-A-G.
Other names: c.2393T>C, p.Ile798Thr (NM_001126131.2); short protein forms I798T.
Identifiers: ClinVar variation 4776065 (VCV004776065.1).

ClinVar aggregate classification (germline): Uncertain significance (1 of 4 stars; one submission).

Conditions:
Progressive sclerosing poliodystrophy (MTDPS4A). Also called: Mitochondrial DNA depletion syndrome 4A (Alpers type); ALPERS DIFFUSE DEGENERATION OF CEREBRAL GRAY MATTER WITH HEPATIC CIRRHOSIS; Alpers-Huttenlocher Syndrome; Mitochondrial DNA Depletion Syndrome 4A; Alpers-Huttenlocher Syndrome (AHS); ALPERS PROGRESSIVE INFANTILE POLIODYSTROPHY. Identifiers: Orphanet 726, MedGen C0205710, MONDO:0008758, OMIM 203700.

gnomAD v4.1: 1 of 1,614,020 alleles (0.000062%); highest among the groups gnomAD compares: East Asian, 0.0022%; no homozygotes.

Submission:

Labcorp Genetics (formerly Invitae), Labcorp
Classification: Uncertain significance for Progressive sclerosing poliodystrophy. Last evaluated: 2025-06-27. Review status: criteria provided, single submitter. Criteria: Invitae Variant Classification Sherloc (09022015). Collection method: clinical testing. Allele origin: germline.
Comment: This sequence change replaces isoleucine, which is neutral and non-polar, with threonine, which is neutral and polar, at codon 798 of the POLG protein (p.Ile798Thr). This variant is not present in population databases (gnomAD no frequency). This variant has not been reported in the literature in individuals affected with POLG-related conditions. Invitae Evidence Modeling of protein sequence and biophysical properties (such as structural, functional, and spatial information, amino acid conservation, physicochemical variation, residue mobility, and thermodynamic stability) indicates that this missense variant is expected to disrupt POLG protein function with a positive predictive value of 95%. In summary, the available evidence is currently insufficient to determine the role of this variant in disease. Therefore, it has been classified as a Variant of Uncertain Significance.